The following is an entry in ClinVar:

ClinVar aggregate classification (germline): Uncertain significance (1 of 4 stars; one submission).

Submission:

Labcorp Genetics (formerly Invitae), Labcorp
Classification: Uncertain significance. Last evaluated: 2022-09-06. Review status: criteria provided, single submitter. Criteria: Invitae Variant Classification Sherloc (09022015). Collection method: clinical testing. Allele origin: germline.
Comment: This sequence change replaces asparagine, which is neutral and polar, with aspartic acid, which is acidic and polar, at codon 522 of the MTPAP protein (p.Asn522Asp). This variant is not present in population databases (gnomAD no frequency). This variant has not been reported in the literature in individuals affected with MTPAP-related conditions. Algorithms developed to predict the effect of missense changes on protein structure and function (SIFT, PolyPhen-2, Align-GVGD) all suggest that this variant is likely to be tolerated. In summary, the available evidence is currently insufficient to determine the role of this variant in disease. Therefore, it has been classified as a Variant of Uncertain Significance.

NM_018109.4(MTPAP):c.1564A>G (p.Asn522Asp)

Gene: MTPAP (mitochondrial poly(A) polymerase; minus strand). Cytogenetic location: 10p11.23.
Variant type: single nucleotide variant.
Coding change: c.1564A>G on transcript NM_018109.4 (MANE Select); coding-DNA position 1564, A replaced by G.
Protein change: p.Asn522Asp; replaces asparagine 522 with aspartic acid.
Molecular consequence: missense variant.
Genome position (GRCh38, 1-based): chr10:30,313,794, T>C on the plus strand (A>G on the coding strand, the complement: MTPAP is on the minus strand). VCF-style: chr10-30313794-T-C. GRCh37 (hg19) VCF-style: chr10-30602723-T-C.
Other names: short protein forms N522D.
Identifiers: ClinVar variation 2024132 (VCV002024132.1), dbSNP rs2538445509, ClinGen allele CA376434445.